The following is an entry in ClinVar:

ClinVar aggregate classification (germline): Uncertain significance (1 of 4 stars; one submission).

Conditions:
POLD1-related polyposis and colorectal cancer syndrome (CRCS10). Also called: Colorectal cancer 10; COLORECTAL CANCER, SUSCEPTIBILITY TO, ON CHROMOSOME 19q; Colorectal cancer, susceptibility to, 10. Identifiers: Orphanet 220460, MedGen C2675481, MONDO:0012953, OMIM 612591.

Submission:

Labcorp Genetics (formerly Invitae), Labcorp
Classification: Uncertain significance for POLD1-related polyposis and colorectal cancer syndrome. Last evaluated: 2022-03-08. Review status: criteria provided, single submitter. Criteria: Invitae Variant Classification Sherloc (09022015). Collection method: clinical testing. Allele origin: germline.
Comment: In summary, the available evidence is currently insufficient to determine the role of this variant in disease. Therefore, it has been classified as a Variant of Uncertain Significance. Algorithms developed to predict the effect of sequence changes on RNA splicing suggest that this variant may create or strengthen a splice site. ClinVar contains an entry for this variant (Variation ID: 946634). This variant has not been reported in the literature in individuals affected with POLD1-related conditions. This variant is not present in population databases (gnomAD no frequency). This sequence change creates a premature translational stop signal (p.Tyr801Ilefs*58) in the POLD1 gene. Missense variants that disrupt the 3'-5' exonuclease (proof-reading) activity of the POLD1 protein are associated with an increased risk for colonic adenomatous polyps and colon cancer (PMID: 23263490, 23447401). However, loss-of-function variants that result in an absent or severely disrupted POLD1 protein, and missense variants outside the exonuclease domain, are unlikely to be associated with polyposis or colon cancer.

Literature cited by the submitters: PubMed 23263490; PubMed 23447401.

NM_002691.4(POLD1):c.2396dup (p.Tyr801fs)

Gene: POLD1 (DNA polymerase delta 1, catalytic subunit; plus strand). Cytogenetic location: 19q13.33.
Variant type: Duplication.
Coding change: c.2396dup on transcript NM_002691.4 (MANE Select); coding-DNA position 2396, one base duplicated (T; older notation c.2396dupT).
Protein change: p.Tyr801fs; shifts the reading frame from tyrosine 801.
Molecular consequence: frameshift variant. On other transcripts: non-coding transcript variant (1).
Genome position (GRCh38, 1-based): chr19:50,414,822, T duplicated; the last of 2 consecutive T bases (chr19:50,414,821-50,414,822); duplicating either gives the same sequence. VCF-style (leftmost placement, unchanged base first): chr19-50414820-C-CT. GRCh37 (hg19) VCF-style: chr19-50918077-C-CT.
Other names: c.2396dup, p.Tyr801fs (NM_001256849.1); c.2474dup, p.Tyr827fs (NM_001308632.1); short protein forms Y801fs, Y827fs.
Identifiers: ClinVar variation 946634 (VCV000946634.9), dbSNP rs2039213620, ClinGen allele CA1139666562.
Genomic context (GRCh38, chr19:50,414,820, plus strand): 5'-CAGATTGGGGCTTGGCCTCCTCAGGCTCAGGGTCTTGGCCATGGCTCCCTCCCAGGTCTA[C>CT]TTCCCATACCTGCTTATCAGCAAGAAGCGCTACGCGGGCCTGCTCTTCTCCTCCCGGCCC-3'